The following is an entry in ClinVar:

NM_000435.3(NOTCH3):c.1849T>C (p.Cys617Arg)

Gene: NOTCH3 (notch receptor 3; minus strand). Cytogenetic location: 19p13.12.
Variant type: single nucleotide variant.
Coding change: c.1849T>C on transcript NM_000435.3 (MANE Select); coding-DNA position 1849, T replaced by C.
Protein change: p.Cys617Arg; replaces cysteine 617 with arginine.
Molecular consequence: missense variant.
Genome position (GRCh38, 1-based): chr19:15,186,980, A>G on the plus strand (T>C on the coding strand, the complement: NOTCH3 is on the minus strand). VCF-style: chr19-15186980-A-G. GRCh37 (hg19) VCF-style: chr19-15297791-A-G.
Other names: short protein forms C617R.
Identifiers: ClinVar variation 1256495 (VCV001256495.3), dbSNP rs2145432499, ClinGen allele CA404524406.

ClinVar aggregate classification (germline): Conflicting classifications of pathogenicity. Review status: criteria provided, conflicting classifications (1 of 4 stars). 2 submissions from 2 submitters: Pathogenic (1); Uncertain significance (1). Last evaluated 2024-06-02.

Submissions (2):

Labcorp Genetics (formerly Invitae), Labcorp
Classification: Uncertain significance. Last evaluated: 2024-06-02. Review status: criteria provided, single submitter. Criteria: Invitae Variant Classification Sherloc (09022015). Collection method: clinical testing. Allele origin: germline.
Comment: This sequence change replaces cysteine, which is neutral and slightly polar, with arginine, which is basic and polar, at codon 617 of the NOTCH3 protein (p.Cys617Arg). This variant is not present in population databases (gnomAD no frequency). This missense change has been observed in individual(s) with NOTCH3-related condition (Invitae). ClinVar contains an entry for this variant (Variation ID: 1256495). Advanced modeling of protein sequence and biophysical properties (such as structural, functional, and spatial information, amino acid conservation, physicochemical variation, residue mobility, and thermodynamic stability) performed at Invitae indicates that this missense variant is expected to disrupt NOTCH3 protein function with a positive predictive value of 95%. This variant disrupts the p.Cys617 amino acid residue in NOTCH3. Other variant(s) that disrupt this residue have been observed in individuals with NOTCH3-related conditions (PMID: 30402942), which suggests that this may be a clinically significant amino acid residue. In summary, the available evidence is currently insufficient to determine the role of this variant in disease. Therefore, it has been classified as a Variant of Uncertain Significance.

Athena Diagnostics
Classification: Pathogenic. Last evaluated: 2021-02-03. Review status: criteria provided, single submitter. Criteria: Athena Diagnostics criteria. Collection method: clinical testing. Allele origin: unknown.
Comment: This variant has not been reported in large, multi-ethnic general populations. This variant has been identified in at least one individual with clinical features associated with this gene. At least one other missense variant at this codon is considered to be pathogenic or likely pathogenic, suggesting this variant may also cause disease. This variant alters a critical location within the protein, and is expected to severely affect function and cause disease. Greater than 90% of NOTCH3 pathogenic mutations associated with CADASIL involve the gain or loss of a cysteine residue within the epidermal growth factor (EGF)-like repeat domain (PMID: 32457593, 20301673).

Literature cited by the submitters: PubMed 30402942 (cited by Labcorp Genetics (formerly Invitae), Labcorp); PubMed 33478738 (cited by Athena Diagnostics).